The following is an entry in ClinVar:

ClinVar aggregate classification (germline): Uncertain significance (1 of 4 stars; one submission).

Submission:

Labcorp Genetics (formerly Invitae), Labcorp
Classification: Uncertain significance. Last evaluated: 2022-08-27. Review status: criteria provided, single submitter. Criteria: Invitae Variant Classification Sherloc (09022015). Collection method: clinical testing. Allele origin: germline.
Comment: Algorithms developed to predict the effect of missense changes on protein structure and function are either unavailable or do not agree on the potential impact of this missense change (SIFT: "Tolerated"; PolyPhen-2: "Possibly Damaging"; Align-GVGD: "Class C0"). In summary, the available evidence is currently insufficient to determine the role of this variant in disease. Therefore, it has been classified as a Variant of Uncertain Significance. This variant has not been reported in the literature in individuals affected with PLXNA2-related conditions. This sequence change replaces threonine, which is neutral and polar, with isoleucine, which is neutral and non-polar, at codon 423 of the PLXNA2 protein (p.Thr423Ile). This variant is not present in population databases (gnomAD no frequency).

NM_025179.4(PLXNA2):c.1268C>T (p.Thr423Ile)

Gene: PLXNA2 (plexin A2; minus strand). Cytogenetic location: 1q32.2.
Variant type: single nucleotide variant.
Coding change: c.1268C>T on transcript NM_025179.4 (MANE Select); coding-DNA position 1268, C replaced by T.
Protein change: p.Thr423Ile; replaces threonine 423 with isoleucine.
Molecular consequence: missense variant.
Genome position (GRCh38, 1-based): chr1:208,210,383, G>A on the plus strand (C>T on the coding strand, the complement: PLXNA2 is on the minus strand). VCF-style: chr1-208210383-G-A. GRCh37 (hg19) VCF-style: chr1-208383728-G-A.
Other names: short protein forms T423I.
Identifiers: ClinVar variation 1994324 (VCV001994324.4), dbSNP rs2527171315, ClinGen allele CA344555531.